The following is an entry in ClinVar:

ClinVar aggregate classification (germline): Pathogenic/Likely pathogenic. Review status: criteria provided, multiple submitters, no conflicts (2 of 4 stars). 2 submissions from 2 submitters: Pathogenic (1); Likely pathogenic (1). Last evaluated 2024-04-16.

Conditions:
Schimke immuno-osseous dysplasia (SIOD). Also called: Schimke Immunoosseous Dysplasia. Identifiers: Orphanet 1830, MedGen C0877024, MONDO:0009458, OMIM 242900.

Submissions (2):

Fulgent Genetics
Classification: Likely pathogenic for Schimke immuno-osseous dysplasia. Last evaluated: 2024-04-16. Review status: criteria provided, single submitter. Criteria: ACMG Guidelines, 2015. Collection method: clinical testing. Allele origin: germline.

Labcorp Genetics (formerly Invitae), Labcorp
Classification: Pathogenic for Schimke immuno-osseous dysplasia. Last evaluated: 2022-11-23. Review status: criteria provided, single submitter. Criteria: Invitae Variant Classification Sherloc (09022015). Collection method: clinical testing. Allele origin: germline.
Comment: This variant has not been reported in the literature in individuals affected with SMARCAL1-related conditions. Algorithms developed to predict the effect of sequence changes on RNA splicing suggest that this variant may disrupt the consensus splice site. For these reasons, this variant has been classified as Pathogenic. This sequence change creates a premature translational stop signal (p.Asp366Glyfs*15) in the SMARCAL1 gene. It is expected to result in an absent or disrupted protein product. Loss-of-function variants in SMARCAL1 are known to be pathogenic (PMID: 11799392, 20301550). This variant is not present in population databases (gnomAD no frequency).

Literature cited by the submitters: PubMed 11799392 (cited by Labcorp Genetics (formerly Invitae), Labcorp); PubMed 20301550 (cited by Labcorp Genetics (formerly Invitae), Labcorp).

NM_014140.4(SMARCAL1):c.1097_1098del (p.Asp366fs)

Gene: SMARCAL1 (SNF2 related chromatin remodeling annealing helicase 1; plus strand). Cytogenetic location: 2q35.
Variant type: Deletion.
Coding change: c.1097_1098del on transcript NM_014140.4 (MANE Select); coding-DNA positions 1097 to 1098, 2 bases deleted (AT; older notation c.1097_1098delAT).
Protein change: p.Asp366fs; shifts the reading frame from aspartic acid 366.
Molecular consequence: frameshift variant.
Genome position (GRCh38, 1-based): chr2:216,423,633-216,423,634, AT deleted. VCF-style (leftmost placement, unchanged base first): chr2-216423632-GAT-G. GRCh37 (hg19) VCF-style: chr2-217288355-GAT-G.
Other names: c.1097_1098del, p.Asp366fs (NM_001127207.2); short protein forms D366fs.
Identifiers: ClinVar variation 2908728 (VCV002908728.4), dbSNP rs2469625357, ClinGen allele CA2739279533.